The following is an entry in ClinVar:

NM_005120.3(MED12):c.5667A>G (p.Glu1889=)

Gene: MED12 (mediator complex subunit 12; plus strand). Cytogenetic location: Xq13.1.
Variant type: single nucleotide variant.
Coding change: c.5667A>G on transcript NM_005120.3 (MANE Select); coding-DNA position 5667, A replaced by G.
Protein change: p.Glu1889=; no amino-acid change (glutamic acid 1889 retained).
Molecular consequence: synonymous variant.
Genome position (GRCh38, 1-based): chrX:71,137,302, A>G. VCF-style: chrX-71137302-A-G. GRCh37 (hg19) VCF-style: chrX-70357152-A-G.
Identifiers: ClinVar variation 2660851 (VCV002660851.25), dbSNP rs1478307017, ClinGen allele CA516820008.
Genomic context (GRCh38, chrX:71,137,302, plus strand): 5'-CACCCGACCAACTTACCCTGGAGTGCTGCCCACAACCATGACTGGCGTCATGGGTTTAGA[A>G]CCCTCCTCTTATAAGACCTCTGTGTACCGGCAGCAGCAACCTGCGGTGCCCCAAGGACAG-3'
Protein context (NP_005111.2, residues 1879-1899): PTTMTGVMGL[Glu1889=]PSSYKTSVYR

ClinVar aggregate classification (germline): Likely benign. Review status: criteria provided, multiple submitters, no conflicts (2 of 4 stars). 2 submissions from 2 submitters: Likely benign (2). Last evaluated 2025-08-28.

Conditions:
FG syndrome (FGS). Identifiers: MedGen C0220769, MONDO:0002010.

Submissions (2):

Labcorp Genetics (formerly Invitae), Labcorp
Classification: Likely benign for FG syndrome. Last evaluated: 2025-08-28. Review status: criteria provided, single submitter. Criteria: Invitae Variant Classification Sherloc (09022015). Collection method: clinical testing. Allele origin: germline.

CeGaT Center for Human Genetics Tuebingen
Classification: Likely benign. Last evaluated: 2022-06-01. Review status: criteria provided, single submitter. Criteria: CeGaT Center For Human Genetics Tuebingen Variant Classification Criteria Version 2. Collection method: clinical testing. Allele origin: germline. Affected: yes. Observed: 1 variant allele.
Comment: MED12: PM2:Supporting, BP4, BP7